The following is an entry in ClinVar:

NM_001089.3(ABCA3):c.3861T>C (p.Tyr1287=)

Gene: ABCA3 (ATP binding cassette subfamily A member 3; minus strand). Cytogenetic location: 16p13.3.
Variant type: single nucleotide variant.
Coding change: c.3861T>C on transcript NM_001089.3 (MANE Select); coding-DNA position 3861, T replaced by C.
Protein change: p.Tyr1287=; no amino-acid change (tyrosine 1287 retained).
Molecular consequence: synonymous variant.
Genome position (GRCh38, 1-based): chr16:2,284,280, A>G on the plus strand (T>C on the coding strand, the complement: ABCA3 is on the minus strand). VCF-style: chr16-2284280-A-G. GRCh37 (hg19) VCF-style: chr16-2334281-A-G.
Identifiers: ClinVar variation 1735617 (VCV001735617.4), dbSNP rs559774168, ClinGen allele CA7840371.

ClinVar aggregate classification (germline): Conflicting classifications of pathogenicity. Review status: criteria provided, conflicting classifications (1 of 4 stars). 2 submissions from 2 submitters: Uncertain significance (1); Likely benign (1). Last evaluated 2022-04-22.

Conditions:
Hereditary pulmonary alveolar proteinosis. Also called: Pulmonary surfactant metabolism dysfunction. Identifiers: Orphanet 264675, MedGen C3711368, MONDO:0012580.

Allele frequency attached by ClinVar (database versions not stated): gnomAD 0.00009; TOPMed 0.00017; 1000 Genomes Project 0.00060; 1000 Genomes Project 30x 0.00062.
gnomAD v4.1: 34 of 1,613,186 alleles (0.0021%); highest among the groups gnomAD compares: African/African-American, 0.015%; no homozygotes.

Submissions (2):

Labcorp Genetics (formerly Invitae), Labcorp
Classification: Uncertain significance. Last evaluated: 2022-04-22. Review status: criteria provided, single submitter. Criteria: Invitae Variant Classification Sherloc (09022015). Collection method: clinical testing. Allele origin: germline.
Comment: This sequence change affects codon 1287 of the ABCA3 mRNA. It is a 'silent' change, meaning that it does not change the encoded amino acid sequence of the ABCA3 protein. It affects a nucleotide within the consensus splice site. This variant is present in population databases (rs559774168, gnomAD 0.02%). This variant has not been reported in the literature in individuals affected with ABCA3-related conditions. Algorithms developed to predict the effect of sequence changes on RNA splicing suggest that this variant may disrupt the consensus splice site. In summary, the available evidence is currently insufficient to determine the role of this variant in disease. Therefore, it has been classified as a Variant of Uncertain Significance.

Ambry Genetics
Classification: Likely benign for Hereditary pulmonary alveolar proteinosis. Last evaluated: 2017-07-01. Review status: criteria provided, single submitter. Criteria: Ambry Variant Classification Scheme 2023. Collection method: clinical testing. Allele origin: germline.